The following is an entry in ClinVar:

NM_000400.4(ERCC2):c.1735G>A (p.Val579Ile)

Gene: ERCC2 (ERCC excision repair 2, TFIIH core complex helicase subunit; minus strand). Cytogenetic location: 19q13.32.
Variant type: single nucleotide variant.
Coding change: c.1735G>A on transcript NM_000400.4 (MANE Select); coding-DNA position 1735, G replaced by A.
Protein change: p.Val579Ile; replaces valine 579 with isoleucine.
Molecular consequence: missense variant.
Genome position (GRCh38, 1-based): chr19:45,353,265, C>T on the plus strand (G>A on the coding strand, the complement: ERCC2 is on the minus strand). VCF-style: chr19-45353265-C-T. GRCh37 (hg19) VCF-style: chr19-45856523-C-T.
Other names: short protein forms V579I.
Identifiers: ClinVar variation 3231655 (VCV003231655.1), dbSNP rs747861061, ClinGen allele CA9513131.

ClinVar aggregate classification (germline): Uncertain significance (1 of 4 stars; one submission).

Conditions:
Inborn genetic diseases. Identifiers: MedGen C0950123, MeSH D030342.

Allele frequency attached by ClinVar (database versions not stated): ExAC 0.00001; gnomAD exomes 0.00001.
gnomAD v4.1: 3 of 1,614,030 alleles (0.00019%); highest among the groups gnomAD compares: Non-Finnish European, 0.00025%; no homozygotes.

Submission:

Ambry Genetics
Classification: Uncertain significance for Inborn genetic diseases. Last evaluated: 2023-10-06. Review status: criteria provided, single submitter. Criteria: Ambry Variant Classification Scheme 2023. Collection method: clinical testing. Allele origin: germline.
Comment: The p.V579I variant (also known as c.1735G>A), located in coding exon 18 of the ERCC2 gene, results from a G to A substitution at nucleotide position 1735. The valine at codon 579 is replaced by isoleucine, an amino acid with highly similar properties. This amino acid position is conserved. In addition, the in silico prediction for this alteration is inconclusive. Since supporting evidence is limited at this time, the clinical significance of this alteration remains unclear.